The following is an entry in ClinVar:

NM_005634.3(SOX3):c.726_743del (p.Ala243_Ala248del)

Gene: SOX3 (SRY-box transcription factor 3; minus strand). Cytogenetic location: Xq27.1.
Variant type: Deletion.
Coding change: c.726_743del on transcript NM_005634.3 (MANE Select); coding-DNA positions 726 to 743, 18 bases deleted (GGCCGCAGCCGCTGCCGC).
Protein change: p.Ala243_Ala248del.
Molecular consequence: inframe deletion.
Genome position (GRCh38, 1-based): chrX:140,504,318-140,504,335, GCGGCAGCGGCTGCGGCC deleted on the plus strand (GGCCGCAGCCGCTGCCGC on the coding strand, the reverse complement: SOX3 is on the minus strand); deleting any 18 consecutive bases within chrX:140,504,318-140,504,346 gives the same sequence; the c. name uses the placement nearest the transcript's 3' end. VCF-style (leftmost placement, unchanged base first): chrX-140504317-GGCGGCAGCGGCTGCGGCC-G. GRCh37 (hg19) VCF-style: chrX-139586482-GGCGGCAGCGGCTGCGGCC-G.
Other names: c.726_743del18 (NM_005634.2).
Identifiers: ClinVar variation 2081743 (VCV002081743.6), dbSNP rs755923910, ClinGen allele CA10531620.

ClinVar aggregate classification (germline): Uncertain significance. Review status: criteria provided, single submitter (1 of 4 stars). 2 submissions from 2 submitters: Uncertain significance (1). 1 of the submissions does not count toward it. Last evaluated 2025-10-22.

Conditions:
SOX3-related disorder. Also called: SOX3-Related Disorders; SOX3-related condition.

Submissions (2):

Labcorp Genetics (formerly Invitae), Labcorp
Classification: Uncertain significance. Last evaluated: 2025-10-22. Review status: criteria provided, single submitter. Criteria: Invitae Variant Classification Sherloc (09022015). Collection method: clinical testing. Allele origin: germline.
Comment: This variant, c.726_743del, results in the deletion of 6 amino acid(s) of the SOX3 protein (p.Ala243_Ala248del), but otherwise preserves the integrity of the reading frame. The frequency data for this variant in the population databases is considered unreliable, as metrics indicate poor data quality at this position in the gnomAD database. This variant has been observed in individual(s) with hypopituitarism (PMID: 21289259). ClinVar contains an entry for this variant (Variation ID: 2081743). Algorithms developed to predict the effect of variants on gene product structure and function are not available or were not evaluated for this variant. Experimental studies have shown that this variant affects SOX3 function (PMID: 21289259). In summary, the available evidence is currently insufficient to determine the role of this variant in disease. Therefore, it has been classified as a Variant of Uncertain Significance.

PreventionGenetics, part of Exact Sciences
Classification: Likely benign for SOX3-related condition. Last evaluated: 2020-04-18. Review status: no assertion criteria provided. Collection method: clinical testing. Allele origin: germline. Not counted in ClinVar's aggregate classification.
Comment: This variant is classified as likely benign based on ACMG/AMP sequence variant interpretation guidelines (Richards et al. 2015 PMID: 25741868, with internal and published modifications).

Literature cited by the submitters: PubMed 21289259 (cited by Labcorp Genetics (formerly Invitae), Labcorp).